The following is an entry in ClinVar:

ClinVar aggregate classification (germline): Uncertain significance (1 of 4 stars; one submission).

Allele frequency attached by ClinVar (database versions not stated): ExAC below 0.00001.

Submission:

Labcorp Genetics (formerly Invitae), Labcorp
Classification: Uncertain significance. Last evaluated: 2020-02-15. Review status: criteria provided, single submitter. Criteria: Invitae Variant Classification Sherloc (09022015). Collection method: clinical testing. Allele origin: germline.
Comment: This sequence change replaces arginine with serine at codon 53 of the TMEM5 protein (p.Arg53Ser). The arginine residue is moderately conserved and there is a moderate physicochemical difference between arginine and serine. The frequency data for this variant in the population databases is considered unreliable, as metrics indicate poor data quality at this position in the ExAC database. This variant has not been reported in the literature in individuals with TMEM5-related disease. Algorithms developed to predict the effect of missense changes on protein structure and function (SIFT, PolyPhen-2, Align-GVGD) all suggest that this variant is likely to be tolerated, but these predictions have not been confirmed by published functional studies and their clinical significance is uncertain. In summary, the available evidence is currently insufficient to determine the role of this variant in disease. Therefore, it has been classified as a Variant of Uncertain Significance.

NM_014254.3(RXYLT1):c.159A>T (p.Arg53Ser)

Gene: RXYLT1 (ribitol xylosyltransferase 1; plus strand). Cytogenetic location: 12q14.2.
Variant type: single nucleotide variant.
Coding change: c.159A>T on transcript NM_014254.3 (MANE Select); coding-DNA position 159, A replaced by T.
Protein change: p.Arg53Ser; replaces arginine 53 with serine.
Molecular consequence: missense variant.
Genome position (GRCh38, 1-based): chr12:63,780,119, A>T. VCF-style: chr12-63780119-A-T. GRCh37 (hg19) VCF-style: chr12-64173899-A-T.
Other names: short protein forms R53S.
Identifiers: ClinVar variation 641271 (VCV000641271.9), dbSNP rs754031838, ClinGen allele CA6665996.
Genomic context (GRCh38, chr12:63,780,119, plus strand): 5'-CCAGGCGCCGGCCGGGTCCCCGCGGGGCCTCAGGAAGGGGGCGGCCCCCGCGCGGGAGAG[A>T]CGCGGCCGAGGTAGGACTGGGTCGGCGGCTTCCTTCCGGCTCTGCGCTCCTGGCTGGGGC-3'
Protein context (NP_055069.1, residues 43-63): LRKGAAPARE[Arg53Ser]RGREQSTLES